The following is an entry in ClinVar:

ClinVar aggregate classification (germline): Pathogenic (1 of 4 stars; one submission).

Conditions:
Familial hemophagocytic lymphohistiocytosis 3 (FHL3). Also called: UNC13D-Related Familial Hemophagocytic Lymphohistiocytosis (UNC13D-fHLH). Identifiers: Orphanet 540, MedGen C1837174, MONDO:0012146, OMIM 608898.

Submission:

Labcorp Genetics (formerly Invitae), Labcorp
Classification: Pathogenic for Familial hemophagocytic lymphohistiocytosis 3. Last evaluated: 2023-03-10. Review status: criteria provided, single submitter. Criteria: Invitae Variant Classification Sherloc (09022015). Collection method: clinical testing. Allele origin: germline.
Comment: This sequence change creates a premature translational stop signal (p.Pro453Hisfs*6) in the UNC13D gene. It is expected to result in an absent or disrupted protein product. Loss-of-function variants in UNC13D are known to be pathogenic (PMID: 14622600). This variant is present in population databases (rs757706998, gnomAD 0.006%). This variant has not been reported in the literature in individuals affected with UNC13D-related conditions. For these reasons, this variant has been classified as Pathogenic.

Literature cited by the submitters: PubMed 14622600.

NM_199242.3(UNC13D):c.1358del (p.Pro453fs)

Gene: UNC13D (unc-13 homolog D; minus strand). Cytogenetic location: 17q25.1.
Variant type: Deletion.
Coding change: c.1358del on transcript NM_199242.3 (MANE Select); coding-DNA position 1358, one base deleted (C; older notation c.1358delC).
Protein change: p.Pro453fs; shifts the reading frame from proline 453.
Molecular consequence: frameshift variant.
Genome position (GRCh38, 1-based): chr17:75,836,370, G deleted on the plus strand (C on the coding strand, the reverse complement: UNC13D is on the minus strand); the first of 4 consecutive G bases (chr17:75,836,370-75,836,373); deleting any one gives the same sequence. VCF-style (leftmost placement, unchanged base first): chr17-75836369-TG-T. GRCh37 (hg19) VCF-style: chr17-73832450-TG-T.
Other names: short protein forms P453fs.
Identifiers: ClinVar variation 2828831 (VCV002828831.3), dbSNP rs757706998, ClinGen allele CA8773016.
Genomic context (GRCh38, chr17:75,836,369, plus strand): 5'-TCTCCCCCATCCCCAGCGCGAGTACCATACCTGCAGGGCCTCAGTCACCAGCTGGGGCAA[TG>T]GGGCGGTGTTGGGGCACAGTTCTCCAAAGGCCTTCATCTTGCACATCTGTACCAGGACCC-3'